The following is an entry in ClinVar:

ClinVar aggregate classification (germline): Uncertain significance. Review status: criteria provided, multiple submitters, no conflicts (2 of 4 stars). 2 submissions from 2 submitters: Uncertain significance (2). Last evaluated 2025-08-01.

Conditions:
Inborn genetic diseases. Identifiers: MedGen C0950123, MeSH D030342.

Submissions (2):

Ambry Genetics
Classification: Uncertain significance for Inborn genetic diseases. Last evaluated: 2025-08-01. Review status: criteria provided, single submitter. Criteria: Ambry Variant Classification Scheme 2023. Collection method: clinical testing. Allele origin: germline.

CeGaT Center for Human Genetics Tuebingen
Classification: Uncertain significance. Last evaluated: 2022-07-01. Review status: criteria provided, single submitter. Criteria: CeGaT Center For Human Genetics Tuebingen Variant Classification Criteria Version 2. Collection method: clinical testing. Allele origin: germline. Affected: yes. Observed: 2 variant alleles.
Comment: SOX5: PM2, PP2, PP3, BS2

NM_006940.6(SOX5):c.1583G>A (p.Ser528Asn)

Gene: SOX5 (SRY-box transcription factor 5; minus strand). Cytogenetic location: 12p12.1.
Variant type: single nucleotide variant.
Coding change: c.1583G>A on transcript NM_006940.6 (MANE Select); coding-DNA position 1583, G replaced by A.
Protein change: p.Ser528Asn; replaces serine 528 with asparagine.
Molecular consequence: missense variant.
Genome position (GRCh38, 1-based): chr12:23,546,330, C>T on the plus strand (G>A on the coding strand, the complement: SOX5 is on the minus strand). VCF-style: chr12-23546330-C-T. GRCh37 (hg19) VCF-style: chr12-23699264-C-T.
Other names: c.1220G>A, p.Ser407Asn (NM_001261414.3); c.1553G>A, p.Ser518Asn (NM_001261415.3); c.1478G>A, p.Ser493Asn (NM_001330785.2); c.1544G>A, p.Ser515Asn (NM_152989.5); c.425G>A, p.Ser142Asn (NM_178010.4); c.1583G>A (NM_006940.4); short protein forms S142N, S407N, S493N, S515N, S518N, S528N.
Identifiers: ClinVar variation 1675486 (VCV001675486.34), dbSNP rs2136074938, ClinGen allele CA384320122.
Genomic context (GRCh38, chr12:23,546,330, plus strand): 5'-ACACTTTCTTGCATTATTAGAATATGTATGAACAATTTTCACAAACCATCAGAATCTCCA[C>T]TCAGATTGAAATCCATCATTGCATGGCTAAATTTTCCTTCTTCATTCTGTTTAACTGCCA-3'
Protein context (NP_008871.3, residues 518-538): FSHAMMDFNL[Ser528Asn]GDSDGSAGVS